The following is an entry in ClinVar:

ClinVar aggregate classification (germline): Uncertain significance. Review status: criteria provided, multiple submitters, no conflicts (2 of 4 stars). 2 submissions from 2 submitters: Uncertain significance (2). Last evaluated 2024-03-18.

Conditions:
Glycine encephalopathy. Also called: Nonketotic hyperglycinemia; Non-ketotic hyperglycinemia. Identifiers: Orphanet 407, MedGen C0751748, MONDO:0011612, HP:0008288.

Allele frequency attached by ClinVar (database versions not stated): gnomAD exomes below 0.00001.
gnomAD v4.1: 5 of 1,614,140 alleles (0.00031%); highest among the groups gnomAD compares: Non-Finnish European, 0.00042%; no homozygotes.

Submissions (2):

Blueprint Genetics
Classification: Uncertain significance. Last evaluated: 2024-03-18. Review status: criteria provided, single submitter. Criteria: ACMG Guidelines, 2015. Collection method: clinical testing. Allele origin: germline.

Labcorp Genetics (formerly Invitae), Labcorp
Classification: Uncertain significance for Glycine encephalopathy. Last evaluated: 2022-07-12. Review status: criteria provided, single submitter. Criteria: Invitae Variant Classification Sherloc (09022015). Collection method: clinical testing. Allele origin: germline.
Comment: This sequence change falls in intron 17 of the GLDC gene. It does not directly change the encoded amino acid sequence of the GLDC protein. It affects a nucleotide within the consensus splice site. This variant is not present in population databases (gnomAD no frequency). This variant has not been reported in the literature in individuals affected with GLDC-related conditions. ClinVar contains an entry for this variant (Variation ID: 1376147). Variants that disrupt the consensus splice site are a relatively common cause of aberrant splicing (PMID: 17576681, 9536098). Algorithms developed to predict the effect of sequence changes on RNA splicing suggest that this variant is not likely to affect RNA splicing. In summary, the available evidence is currently insufficient to determine the role of this variant in disease. Therefore, it has been classified as a Variant of Uncertain Significance.

Literature cited by the submitters: PubMed 17576681 (cited by Labcorp Genetics (formerly Invitae), Labcorp); PubMed 9536098 (cited by Labcorp Genetics (formerly Invitae), Labcorp).

NM_000170.3(GLDC):c.2052+6T>C

Gene: GLDC (glycine decarboxylase; minus strand). Cytogenetic location: 9p24.1.
Variant type: single nucleotide variant.
Coding change: c.2052+6T>C on transcript NM_000170.3 (MANE Select); 6 bases into the intron after coding-DNA position 2052, T replaced by C.
Molecular consequence: intron variant.
Genome position (GRCh38, 1-based): chr9:6,558,553, A>G on the plus strand (T>C on the coding strand, the complement: GLDC is on the minus strand). VCF-style: chr9-6558553-A-G. GRCh37 (hg19) VCF-style: chr9-6558553-A-G.
Identifiers: ClinVar variation 1376147 (VCV001376147.4), dbSNP rs1421593264, ClinGen allele CA585763374.